The following is an entry in ClinVar:

NM_000082.4(ERCC8):c.976C>T (p.Gln326Ter)

Gene: ERCC8 (ERCC excision repair 8, CSA ubiquitin ligase complex subunit; minus strand). Cytogenetic location: 5q12.1.
Variant type: single nucleotide variant.
Coding change: c.976C>T on transcript NM_000082.4 (MANE Select); coding-DNA position 976, C replaced by T.
Protein change: p.Gln326Ter; replaces glutamine 326 with a stop codon.
Molecular consequence: nonsense.
Genome position (GRCh38, 1-based): chr5:60,890,954, G>A on the plus strand (C>T on the coding strand, the complement: ERCC8 is on the minus strand). VCF-style: chr5-60890954-G-A. GRCh37 (hg19) VCF-style: chr5-60186781-G-A.
Other names: c.802C>T, p.Gln268Ter (NM_001007233.3); c.517C>T, p.Gln173Ter (NM_001290285.2); short protein forms Q173*, Q268*, Q326*.
Identifiers: ClinVar variation 984142 (VCV000984142.3), dbSNP rs1748527879, ClinGen allele CA359823157.

ClinVar aggregate classification (germline): Likely pathogenic (1 of 4 stars; one submission).

Conditions:
Cockayne syndrome type 1. Also called: Cockayne syndrome type I; Cockayne syndrome classical; Cockayne syndrome classic form. Identifiers: Orphanet 191, Orphanet 90321, MedGen C0751039, MONDO:0019569, OMIM 216400.

Submission:

Myriad Genetics, Inc.
Classification: Likely pathogenic for Cockayne syndrome type 1. Last evaluated: 2020-02-03. Review status: criteria provided, single submitter. Criteria: Myriad Women's Health Autosomal Recessive and X-Linked Classification Criteria (2019). Collection method: clinical testing. Allele origin: unknown.
Comment: NM_000082.3(ERCC8):c.976C>T(Q326*) is expected to be pathogenic in the context of ERCC8-related disorders. This variant is predicted to lead to an abnormal or absent protein product due to the creation of a premature termination codon in ERCC8, a gene where loss-of-function variants are known to be pathogenic. Please note: this variant was assessed in the context of healthy population screening.